The following is an entry in ClinVar:

ClinVar aggregate classification (germline): Likely pathogenic. Review status: criteria provided, multiple submitters, no conflicts (2 of 4 stars). 2 submissions from 2 submitters: Likely pathogenic (2). Last evaluated 2026-01-23.

Conditions:
Distal arthrogryposis type 2B1 (DA2B1). Also called: Arthrogryposis multiplex congenita distal type II with craniofacial abnormalities. Identifiers: Orphanet 1147, MedGen C5193014, MONDO:0020820, OMIM 601680.

Submissions (2):

3billion
Classification: Likely pathogenic for Distal arthrogryposis type 2B1. Last evaluated: 2026-01-23. Review status: criteria provided, single submitter. Criteria: ACMG Guidelines, 2015. Collection method: clinical testing. Allele origin: germline. Affected: yes.
Comment: The variant is not observed in the gnomAD v4.1.0 dataset. Predicted Consequence/Location: Stop-gained (nonsense): predicted to result in a loss or disruption of normal protein function through protein truncation. Multiple pathogenic variants are reported in the predicted truncated region. The variant has been reported to be associated with TNNI2-related disorder (ClinVar ID: VCV002506365). Therefore, this variant is classified as Likely pathogenic according to the recommendation of ACMG/AMP guideline.

Division of Medical Genetics, Department of Pediatrics, All India Institute of Medical Sciences, New Delhi
Classification: Likely pathogenic for Distal arthrogryposis type 2B1. Last evaluated: 2023-06-15. Review status: criteria provided, single submitter. Criteria: ACMG Guidelines, 2015. Collection method: research. Allele origin: germline. Affected: yes.

NM_003282.4(TNNI2):c.496G>T (p.Glu166Ter)

Gene: TNNI2 (troponin I2, fast skeletal type; plus strand). Cytogenetic location: 11p15.5.
Variant type: single nucleotide variant.
Coding change: c.496G>T on transcript NM_003282.4 (MANE Select); coding-DNA position 496, G replaced by T.
Protein change: p.Glu166Ter; replaces glutamic acid 166 with a stop codon.
Molecular consequence: nonsense.
Genome position (GRCh38, 1-based): chr11:1,841,498, G>T. VCF-style: chr11-1841498-G-T. GRCh37 (hg19) VCF-style: chr11-1862728-G-T.
Other names: c.496G>T, p.Glu166Ter (NM_001145829.2, NM_001145841.2); short protein forms E166*.
Identifiers: ClinVar variation 2506365 (VCV002506365.2), dbSNP rs1847181948, ClinGen allele CA379106893.